The following is an entry in ClinVar:

ClinVar aggregate classification (germline): Uncertain significance (1 of 4 stars; one submission).

Conditions:
Episodic ataxia type 1 (EA1). Also called: ATAXIA, EPISODIC, WITH MYOKYMIA; MYOKYMIA WITH PERIODIC ATAXIA; PAROXYSMAL ATAXIA WITH NEUROMYOTONIA, HEREDITARY; Episodic ataxia/myokymia syndrome. Identifiers: Orphanet 37612, Orphanet 972, MedGen C1719788, MONDO:0008047, OMIM 160120.

Submission:

Labcorp Genetics (formerly Invitae), Labcorp
Classification: Uncertain significance for Episodic ataxia type 1. Last evaluated: 2024-09-27. Review status: criteria provided, single submitter. Criteria: Invitae Variant Classification Sherloc (09022015). Collection method: clinical testing. Allele origin: germline.
Comment: This sequence change replaces threonine, which is neutral and polar, with proline, which is neutral and non-polar, at codon 218 of the KCNA1 protein (p.Thr218Pro). This variant is not present in population databases (gnomAD no frequency). This variant has not been reported in the literature in individuals affected with KCNA1-related conditions. Invitae Evidence Modeling of protein sequence and biophysical properties (such as structural, functional, and spatial information, amino acid conservation, physicochemical variation, residue mobility, and thermodynamic stability) indicates that this missense variant is not expected to disrupt KCNA1 protein function with a negative predictive value of 80%. In summary, the available evidence is currently insufficient to determine the role of this variant in disease. Therefore, it has been classified as a Variant of Uncertain Significance.

NM_000217.3(KCNA1):c.652A>C (p.Thr218Pro)

Gene: KCNA1 (potassium voltage-gated channel subfamily A member 1; plus strand). Cytogenetic location: 12p13.32.
Variant type: single nucleotide variant.
Coding change: c.652A>C on transcript NM_000217.3 (MANE Select); coding-DNA position 652, A replaced by C.
Protein change: p.Thr218Pro; replaces threonine 218 with proline.
Molecular consequence: missense variant.
Genome position (GRCh38, 1-based): chr12:4,912,030, A>C. VCF-style: chr12-4912030-A-C. GRCh37 (hg19) VCF-style: chr12-5021196-A-C.
Other names: short protein forms T218P.
Identifiers: ClinVar variation 3653708 (VCV003653708.2).